The following is an entry in ClinVar:

NM_000057.4(BLM):c.3225A>G (p.Arg1075=)

Gene: BLM (BLM RecQ like helicase; plus strand). Cytogenetic location: 15q26.1.
Variant type: single nucleotide variant.
Coding change: c.3225A>G on transcript NM_000057.4 (MANE Select); coding-DNA position 3225, A replaced by G.
Protein change: p.Arg1075=; no amino-acid change (arginine 1075 retained).
Molecular consequence: synonymous variant.
Genome position (GRCh38, 1-based): chr15:90,798,204, A>G. VCF-style: chr15-90798204-A-G. GRCh37 (hg19) VCF-style: chr15-91341434-A-G.
Other names: c.3225A>G (LRG_20t1); c.3225A>G, p.Arg1075= (NM_001287246.2, NM_001287247.2); c.2100A>G, p.Arg700= (NM_001287248.2).
Identifiers: ClinVar variation 485333 (VCV000485333.23), dbSNP rs7171673, ClinGen allele CA7738966.

ClinVar aggregate classification (germline): Likely benign. Review status: criteria provided, multiple submitters, no conflicts (2 of 4 stars). 7 submissions from 7 submitters: Likely benign (5). 2 of the submissions do not count toward it. Last evaluated 2026-01-28.

Conditions:
Hereditary cancer-predisposing syndrome. Also called: Neoplastic Syndromes, Hereditary; Tumor predisposition; Hereditary Cancer Syndrome; Hereditary neoplastic syndrome. Identifiers: Orphanet 140162, MedGen C0027672, MeSH D009386, MONDO:0015356.
BLM-related disorder. Also called: BLM-related condition.
Bloom syndrome (BLM). Also called: Bloom-Torre-Machacek syndrome. Identifiers: Orphanet 125, MedGen C0005859, MONDO:0008876, OMIM 210900.

Allele frequency attached by ClinVar (database versions not stated): gnomAD exomes 0.00002 and 0.00005; ExAC 0.00005; gnomAD 0.00020 and 0.00024; ESP Exome Variant Server 0.00023; TOPMed 0.00024.
gnomAD v4.1: 62 of 1,606,684 alleles (0.0039%); highest among the groups gnomAD compares: African/African-American, 0.076%; no homozygotes.

Submissions (7):

Labcorp Genetics (formerly Invitae), Labcorp
Classification: Likely benign for Bloom syndrome. Last evaluated: 2026-01-28. Review status: criteria provided, single submitter. Criteria: Invitae Variant Classification Sherloc (09022015). Collection method: clinical testing. Allele origin: germline.

Quest Diagnostics Nichols Institute San Juan Capistrano
Classification: Likely benign. Last evaluated: 2023-09-08. Review status: criteria provided, single submitter. Criteria: Quest Diagnostics criteria. Collection method: clinical testing. Allele origin: unknown.

Sema4
Classification: Likely benign for Hereditary cancer-predisposing syndrome. Last evaluated: 2021-05-19. Review status: criteria provided, single submitter. Criteria: Sema4 Curation Guidelines. Collection method: curation. Allele origin: germline.

Genetic Services Laboratory, University of Chicago
Classification: Likely benign. Last evaluated: 2020-01-03. Review status: criteria provided, single submitter. Criteria: ACMG Guidelines, 2015. Collection method: clinical testing. Allele origin: germline. Affected: no.

Ambry Genetics
Classification: Likely benign for Hereditary cancer-predisposing syndrome. Last evaluated: 2017-02-28. Review status: criteria provided, single submitter. Criteria: Ambry Variant Classification Scheme 2023. Collection method: clinical testing. Allele origin: germline.

Natera, Inc.
Classification: Likely benign for Bloom syndrome. Last evaluated: 2020-09-16. Review status: no assertion criteria provided. Collection method: clinical testing. Allele origin: germline. Not counted in ClinVar's aggregate classification.

PreventionGenetics, part of Exact Sciences
Classification: Likely benign for BLM-related condition. Last evaluated: 2019-02-21. Review status: no assertion criteria provided. Collection method: clinical testing. Allele origin: germline. Not counted in ClinVar's aggregate classification.
Comment: This variant is classified as likely benign based on ACMG/AMP sequence variant interpretation guidelines (Richards et al. 2015 PMID: 25741868, with internal and published modifications).